The following is an entry in ClinVar:

NM_001080.3(ALDH5A1):c.431C>A (p.Ala144Asp)

Gene: ALDH5A1 (aldehyde dehydrogenase 5 family member A1; plus strand). Cytogenetic location: 6p22.3.
Variant type: single nucleotide variant.
Coding change: c.431C>A on transcript NM_001080.3 (MANE Select); coding-DNA position 431, C replaced by A.
Protein change: p.Ala144Asp; replaces alanine 144 with aspartic acid.
Molecular consequence: missense variant.
Genome position (GRCh38, 1-based): chr6:24,502,599, C>A. VCF-style: chr6-24502599-C-A. GRCh37 (hg19) VCF-style: chr6-24502827-C-A.
Other names: c.431C>A, p.Ala144Asp (NM_001368954.1, NM_170740.1); short protein forms A144D.
Identifiers: ClinVar variation 1878443 (VCV001878443.4), dbSNP rs1489666051, ClinGen allele CA362969322.
Genomic context (GRCh38, chr6:24,502,599, plus strand): 5'-TTCGGAAGTGGTACAATTTAATGATACAAAATAAGGATGACCTTGCCAGAATAATCACAG[C>A]TGAAAGTGTAAGTTCAGGGTTCTGGCTTGGTGCACTGAGAAATTCTCCAGGAATTTTTAC-3'
Protein context (NP_001071.1, residues 134-154): NKDDLARIIT[Ala144Asp]ESGKPLKEAH

ClinVar aggregate classification (germline): Likely pathogenic (1 of 4 stars; one submission).

Conditions:
Succinate-semialdehyde dehydrogenase deficiency (SSADHD). Also called: Succinic Semialdehyde Dehydrogenase Deficiency; SSADH DEFICIENCY; 4-HYDROXYBUTYRIC ACIDURIA; GABA METABOLIC DEFECT. Identifiers: Orphanet 22, MedGen C0268631, MONDO:0010083, OMIM 271980.

Allele frequency attached by ClinVar (database versions not stated): gnomAD 0.00002; TOPMed 0.00003.
gnomAD v4.1: 5 of 1,612,010 alleles (0.00031%); highest among the groups gnomAD compares: African/African-American, 0.0067%; no homozygotes.

Submission:

Elsea Laboratory, Baylor College of Medicine
Classification: Likely pathogenic for Succinate-semialdehyde dehydrogenase deficiency. Last evaluated: 2021-03-08. Review status: criteria provided, single submitter. Criteria: Martin et al. (J Child Neurol. 2021). Collection method: curation. Allele origin: germline. Affected: yes.
Comment: reduced enzyme activity; NAD binding domain

Literature cited by the submitters: PubMed 33203024; PubMed 32402538.